The following is an entry in ClinVar:

NM_001267550.2(TTN):c.30519del (p.Lys10173fs)

Gene: TTN (titin; minus strand). Cytogenetic location: 2q31.2.
Variant type: Deletion.
Coding change: c.30519del on transcript NM_001267550.2 (MANE Select); coding-DNA position 30519, one base deleted (A; older notation c.30519delA).
Protein change: p.Lys10173fs; shifts the reading frame from lysine 10173.
Molecular consequence: frameshift variant. On other transcripts: intron variant (3).
Genome position (GRCh38, 1-based): chr2:178,702,059, T deleted on the plus strand (A on the coding strand, the reverse complement: TTN is on the minus strand); the first of 3 consecutive T bases (chr2:178,702,059-178,702,061); deleting any one gives the same sequence. VCF-style (leftmost placement, unchanged base first): chr2-178702058-GT-G. GRCh37 (hg19) VCF-style: chr2-179566785-GT-G.
Other names: c.29568del, p.Lys9856fs (NM_001256850.1); c.26787del, p.Lys8929fs (NM_133378.4); c.13282+36023del (NM_003319.4); c.13858+36023del (NM_133437.4); c.13657+36023del (NM_133432.3); short protein forms K10173fs, K8929fs, K9856fs.
Identifiers: ClinVar variation 3759265 (VCV003759265.2).

ClinVar aggregate classification (germline): Likely pathogenic (1 of 4 stars; one submission).

Conditions:
Dilated cardiomyopathy 1G (CMD1G). Identifiers: Orphanet 154, MedGen C1858763, MONDO:0011400, OMIM 604145.
Autosomal recessive limb-girdle muscular dystrophy type 2J (LGMDR10). Also called: Limb-girdle muscular dystrophy, type 2J; MUSCULAR DYSTROPHY, LIMB-GIRDLE, AUTOSOMAL RECESSIVE 10. Identifiers: Orphanet 140922, MedGen C1837342, MONDO:0012127, OMIM 608807.

Submission:

Labcorp Genetics (formerly Invitae), Labcorp
Classification: Likely pathogenic for Dilated cardiomyopathy 1G; Autosomal recessive limb-girdle muscular dystrophy type 2J. Last evaluated: 2024-09-27. Review status: criteria provided, single submitter. Criteria: Invitae Variant Classification Sherloc (09022015). Collection method: clinical testing. Allele origin: germline.
Comment: This sequence change creates a premature translational stop signal (p.Lys10173Asnfs*4) in the TTN gene. While this is not anticipated to result in nonsense mediated decay, it is expected to create a truncated TTN protein. This variant is not present in population databases (gnomAD no frequency). This variant has not been reported in the literature in individuals affected with TTN-related conditions. This variant is located in the I band of TTN (PMID: 25589632). Truncating variants in this region have been reported in individuals affected with autosomal recessive centronuclear myopathy (PMID: 23975875, internal data). Truncating variants in this region have also been identified in individuals affected with autosomal dominant dilated cardiomyopathy and/or cardio-related conditions (PMID: 27869827, 32964742, internal data). In summary, the currently available evidence indicates that the variant is pathogenic, but additional data are needed to prove that conclusively. Therefore, this variant has been classified as Likely Pathogenic.

Literature cited by the submitters: PubMed 25589632; PubMed 23975875; PubMed 27869827; PubMed 32964742.